The following is an entry in ClinVar:

ClinVar aggregate classification (germline): Likely pathogenic (1 of 4 stars; one submission).

Submission:

GeneDx
Classification: Likely pathogenic. Last evaluated: 2024-02-28. Review status: criteria provided, single submitter. Criteria: GeneDx Variant Classification Process June 2021. Collection method: clinical testing. Allele origin: germline. Affected: yes.
Comment: Frameshift variant predicted to result in abnormal protein length as the last 201 amino acids are replaced with 53 different amino acids, and other similar variants have been reported in HGMD; Not observed at significant frequency in large population cohorts (gnomAD); This variant is associated with the following publications: (PMID: 9490292, 9521593, 36938073)

NM_001009944.3(PKD1):c.12307dup (p.Ala4103fs)

Gene: PKD1 (polycystin 1, transient receptor potential channel interacting; minus strand). Cytogenetic location: 16p13.3.
Variant type: Duplication.
Coding change: c.12307dup on transcript NM_001009944.3 (MANE Select); coding-DNA position 12307, one base duplicated (G; older notation c.12307dupG).
Protein change: p.Ala4103fs; shifts the reading frame from alanine 4103.
Molecular consequence: frameshift variant.
Genome position (GRCh38, 1-based): chr16:2,090,422, C duplicated on the plus strand (G on the coding strand, the reverse complement: PKD1 is on the minus strand); the first of 5 consecutive C bases (chr16:2,090,422-2,090,426); duplicating any one gives the same sequence. VCF-style (leftmost placement, unchanged base first): chr16-2090421-G-GC. GRCh37 (hg19) VCF-style: chr16-2140422-G-GC.
Other names: c.12304dup, p.Ala4102fs (NM_000296.4); c.12307dup (NM_001009944.2); short protein forms A4102fs, A4103fs.
Identifiers: ClinVar variation 3340589 (VCV003340589.1).
Genomic context (GRCh38, chr16:2,090,421, plus strand): 5'-TCCCAGGCCGGCCGGTACAGCTCTCCACGCAAGGCGTGGTAGCGCCAGCGGAGAATAACA[G>GC]CCCCCAGCCGTAGGGCGCCCCACAGCCGCAGTGCCCAGAGCCCCACACACAGCAGGGGTG-3'